The following is an entry in ClinVar:

NM_003839.4(TNFRSF11A):c.516G>A (p.Trp172Ter)

Gene: TNFRSF11A (TNF receptor superfamily member 11a; plus strand). Cytogenetic location: 18q21.33.
Variant type: single nucleotide variant.
Coding change: c.516G>A on transcript NM_003839.4 (MANE Select); coding-DNA position 516, G replaced by A.
Protein change: p.Trp172Ter; replaces tryptophan 172 with a stop codon.
Molecular consequence: nonsense.
Genome position (GRCh38, 1-based): chr18:62,358,336, G>A. VCF-style: chr18-62358336-G-A. GRCh37 (hg19) VCF-style: chr18-60025569-G-A.
Other names: c.516G>A, p.Trp172Ter (NM_001270951.2, NM_001270950.2, NM_001270949.2); c.474G>A, p.Trp158Ter (NM_001278268.2); short protein forms W158*, W172*.
Identifiers: ClinVar variation 5018842 (VCV005018842.2).
Genomic context (GRCh38, chr18:62,358,336, plus strand): 5'-ACCTTGCCTTGCAGGCTACTTCTCTGATGCCTTTTCCTCCACGGACAAATGCAGACCCTG[G>A]ACCAAGTAAGTAACAACAAAGGAGTCAGAAGAGATGGTTGGTTTTTAAACAACTCAACCT-3'

ClinVar aggregate classification (germline): Likely pathogenic (1 of 4 stars; one submission).

Conditions:
Autosomal recessive osteopetrosis 7. Identifiers: Orphanet 178389, MedGen C2676766, MONDO:0012859, OMIM 612301.

Submission:

Juno Genomics, Hangzhou Juno Genomics, Inc
Classification: Likely pathogenic for Autosomal recessive osteopetrosis 7. Review status: criteria provided, single submitter. Criteria: ACMG Guidelines, 2015. Collection method: clinical testing. Allele origin: germline.
Comment: Absent from controls (or at extremely low frequency if recessive) in Genome Aggregation Database.;Null variant in a gene where loss of function (LOF) is a known mechanism of disease.